The following is an entry in ClinVar:

ClinVar aggregate classification (germline): Likely benign (1 of 4 stars; one submission).

Submission:

CeGaT Center for Human Genetics Tuebingen
Classification: Likely benign. Last evaluated: 2025-12-01. Review status: criteria provided, single submitter. Criteria: CeGaT Center For Human Genetics Tuebingen Variant Classification Criteria Version 2. Collection method: clinical testing. Allele origin: germline. Affected: yes. Observed: 1 variant allele.
Comment: SLC52A1: PM2:Supporting, BP4, BP7

NM_017986.4(SLC52A1):c.1075C>T (p.Leu359=)

Gene: SLC52A1 (solute carrier family 52 member 1; minus strand). Cytogenetic location: 17p13.2.
Variant type: single nucleotide variant.
Coding change: c.1075C>T on transcript NM_017986.4 (MANE Select); coding-DNA position 1075, C replaced by T.
Protein change: p.Leu359=; no amino-acid change (leucine 359 retained).
Molecular consequence: synonymous variant.
Genome position (GRCh38, 1-based): chr17:5,033,320, G>A on the plus strand (C>T on the coding strand, the complement: SLC52A1 is on the minus strand). VCF-style: chr17-5033320-G-A. GRCh37 (hg19) VCF-style: chr17-4936615-G-A.
Other names: c.1075C>T, p.Leu359= (NM_001104577.2).
Identifiers: ClinVar variation 4681863 (VCV004681863.5).